The following is an entry in ClinVar:

ClinVar aggregate classification (germline): Uncertain significance (1 of 4 stars; one submission).

Conditions:
Joubert syndrome 23 (JBTS23). Identifiers: Orphanet 475, MedGen C4084822, MONDO:0014664, OMIM 616490.
Short-rib thoracic dysplasia 14 with polydactyly (SRTD14). Identifiers: Orphanet 397715, MedGen C4225286, MONDO:0014688, OMIM 616546.

Submission:

Labcorp Genetics (formerly Invitae), Labcorp
Classification: Uncertain significance for Joubert syndrome 23; Short-rib thoracic dysplasia 14 with polydactyly. Last evaluated: 2022-07-11. Review status: criteria provided, single submitter. Criteria: Invitae Variant Classification Sherloc (09022015). Collection method: clinical testing. Allele origin: germline.
Comment: This variant is not present in population databases (gnomAD no frequency). In summary, the available evidence is currently insufficient to determine the role of this variant in disease. Therefore, it has been classified as a Variant of Uncertain Significance. Algorithms developed to predict the effect of missense changes on protein structure and function are either unavailable or do not agree on the potential impact of this missense change (SIFT: "Deleterious"; PolyPhen-2: "Possibly Damaging"; Align-GVGD: "Class C0"). This variant has not been reported in the literature in individuals affected with KIAA0586-related conditions. This sequence change replaces lysine, which is basic and polar, with glutamine, which is neutral and polar, at codon 1520 of the KIAA0586 protein (p.Lys1520Gln).

NM_001329943.3(KIAA0586):c.4399A>C (p.Lys1467Gln)

Gene: KIAA0586 (KIAA0586; plus strand). Cytogenetic location: 14q23.1.
Variant type: single nucleotide variant.
Coding change: c.4399A>C on transcript NM_001329943.3 (MANE Select); coding-DNA position 4399, A replaced by C.
Protein change: p.Lys1467Gln; replaces lysine 1467 with glutamine.
Molecular consequence: missense variant.
Genome position (GRCh38, 1-based): chr14:58,512,597, A>C. VCF-style: chr14-58512597-A-C. GRCh37 (hg19) VCF-style: chr14-58979315-A-C.
Other names: c.4558A>C, p.Lys1520Gln (NM_001244189.2); c.4354A>C, p.Lys1452Gln (NM_001244190.2); c.4144A>C, p.Lys1382Gln (NM_001244191.2, NM_001329945.2, NM_001364700.1 and 1 more transcripts); c.4267A>C, p.Lys1423Gln (NM_001244192.2, NM_001329947.2); c.3979A>C, p.Lys1327Gln (NM_001244193.2); c.4399A>C, p.Lys1467Gln (NM_001329944.2, NM_001329946.2); c.4171A>C, p.Lys1391Gln (NM_014749.5); short protein forms K1452Q, K1382Q, K1423Q, K1467Q, K1391Q, K1520Q, K1327Q.
Identifiers: ClinVar variation 2016072 (VCV002016072.4), dbSNP rs2544165744, ClinGen allele CA390058182.